The following is an entry in ClinVar:

NM_006005.3(WFS1):c.1523A>G (p.Tyr508Cys)

Gene: WFS1 (wolframin ER transmembrane glycoprotein; plus strand). Cytogenetic location: 4p16.1.
Variant type: single nucleotide variant.
Coding change: c.1523A>G on transcript NM_006005.3 (MANE Select); coding-DNA position 1523, A replaced by G.
Protein change: p.Tyr508Cys; replaces tyrosine 508 with cysteine.
Molecular consequence: missense variant.
Genome position (GRCh38, 1-based): chr4:6,301,318, A>G. VCF-style: chr4-6301318-A-G. GRCh37 (hg19) VCF-style: chr4-6303045-A-G.
Other names: c.1523A>G, p.Tyr508Cys (NM_001145853.1); short protein forms Y508C.
Identifiers: ClinVar variation 1027491 (VCV001027491.10), dbSNP rs1477371498, ClinGen allele CA356175816.

ClinVar aggregate classification (germline): Conflicting classifications of pathogenicity. Review status: criteria provided, conflicting classifications (1 of 4 stars). 4 submissions from 4 submitters: Likely pathogenic (2); Uncertain significance (2). Last evaluated 2026-08-06.

Conditions:
Wolfram syndrome 1 (WFS1). Identifiers: Orphanet 3463, MedGen C4551693, MONDO:0009101, OMIM 222300.
Wolfram-like syndrome. Also called: HEARING LOSS, PROGRESSIVE, WITH OPTIC ATROPHY AND/OR IMPAIRED GLUCOSE REGULATION. Identifiers: Orphanet 411590, MedGen C3280358, MONDO:0013673, OMIM 614296.

Allele frequency attached by ClinVar (database versions not stated): gnomAD exomes below 0.00001.
gnomAD v4.1: 2 of 1,611,384 alleles (0.00012%); highest among the groups gnomAD compares: East Asian, 0.0045%; no homozygotes.

Submissions (4):

OLLIN Analises Genomicas, OLLIN
Classification: Uncertain significance for Wolfram-like syndrome. Last evaluated: 2026-08-06. Review status: criteria provided, single submitter. Criteria: ACMG Guidelines 2015 PMID 25741868. Collection method: clinical testing. Allele origin: germline. Inheritance: Autosomal dominant inheritance.
Comment: This missense variant, located in exon 8 (of 8), has been reported in ClinVar (accession VCV001027491.9) and in gnomAD with an allele frequency of 0.00012%. However, to our knowledge, it has not been reported in the scientific literature. In silico analysis predicts that this variant has a deleterious effect. According to the currently available evidence, this variant has been classified as uncertain significance (PM2_P, PP3).

Labcorp Genetics (formerly Invitae), Labcorp
Classification: Uncertain significance. Last evaluated: 2024-01-17. Review status: criteria provided, single submitter. Criteria: Invitae Variant Classification Sherloc (09022015). Collection method: clinical testing. Allele origin: germline.
Comment: This sequence change replaces tyrosine, which is neutral and polar, with cysteine, which is neutral and slightly polar, at codon 508 of the WFS1 protein (p.Tyr508Cys). This variant is present in population databases (no rsID available, gnomAD 0.01%). This missense change has been observed in individual(s) with autosomal recessive Wolfram syndrome and/or optic neuropathy, ataxia (PMID: 31266054, 33841295, 34445196). ClinVar contains an entry for this variant (Variation ID: 1027491). Advanced modeling of protein sequence and biophysical properties (such as structural, functional, and spatial information, amino acid conservation, physicochemical variation, residue mobility, and thermodynamic stability) has been performed at Invitae for this missense variant, however the output from this modeling did not meet the statistical confidence thresholds required to predict the impact of this variant on WFS1 protein function. In summary, the available evidence is currently insufficient to determine the role of this variant in disease. Therefore, it has been classified as a Variant of Uncertain Significance.

Baylor Genetics
Classification: Likely pathogenic for Wolfram syndrome 1. Last evaluated: 2023-03-10. Review status: criteria provided, single submitter. Criteria: ACMG Guidelines, 2015. Collection method: clinical testing. Allele origin: unknown.

Molecular Medicine for Neurodegenerative and Neuromuscular Diseases Unit, IRCCS Fondazione Stella Maris
Classification: Likely pathogenic for Wolfram syndrome 1. Last evaluated: 2021-01-04. Review status: criteria provided, single submitter. Criteria: ACMG Guidelines, 2015. Collection method: research. Allele origin: unknown. Affected: yes.

Literature cited by the submitters: PubMed 31266054 (cited by Labcorp Genetics (formerly Invitae), Labcorp); PubMed 33841295 (cited by Labcorp Genetics (formerly Invitae), Labcorp); PubMed 34445196 (cited by Labcorp Genetics (formerly Invitae), Labcorp).